The following is an entry in ClinVar:

NM_021870.3(FGG):c.926del (p.Gly309fs)

Gene: FGG (fibrinogen gamma chain; minus strand). Cytogenetic location: 4q32.1.
Variant type: Deletion.
Coding change: c.926del on transcript NM_021870.3 (MANE Select); coding-DNA position 926, one base deleted (G; older notation c.926delG).
Protein change: p.Gly309fs; shifts the reading frame from glycine 309.
Molecular consequence: frameshift variant.
Genome position (GRCh38, 1-based): chr4:154,606,908, C deleted on the plus strand (G on the coding strand, the reverse complement: FGG is on the minus strand); the first of 2 consecutive C bases (chr4:154,606,908-154,606,909); deleting either gives the same sequence. VCF-style (leftmost placement, unchanged base first): chr4-154606907-AC-A. GRCh37 (hg19) VCF-style: chr4-155528059-AC-A.
Other names: c.926del, p.Gly309fs (NM_000509.6); short protein forms G309fs.
Identifiers: ClinVar variation 4813762 (VCV004813762.1).

ClinVar aggregate classification (germline): Likely pathogenic (1 of 4 stars; one submission).

Conditions:
Autosomal dominant FGG-related disorders.

Submission:

Variantyx, Inc.
Classification: Likely pathogenic for Autosomal dominant FGG-related disorders. Last evaluated: 2025-09-30. Review status: criteria provided, single submitter. Criteria: Variantyx Assertion Criteria 2022. Collection method: clinical testing. Allele origin: de novo. Inheritance: Autosomal dominant inheritance. Affected: yes.
Comment: This is a frameshift variant in the FGG gene (OMIM: 134850). Pathogenic variants in this gene have been associated with autosomal dominant FGG-related disorders. This variant introduces a premature termination codon in exon 8 out of 10 and is expected to result in loss of function, which is a known disease mechanism for FGG in this disorder (PMID: 23560673, 28992465) (PVS1). This variant is absent from control populations (PM2) and has not been reported in individuals with FGG-related disorders in the databases available for review. Based on the current evidence, this variant is classified as likely pathogenic for autosomal dominant FGG-related disorders.

Literature cited by the submitters: PubMed 23560673; PubMed 28992465.